The following is an entry in ClinVar:

NM_001232.4(CASQ2):c.361C>T (p.Arg121Cys)

Gene: CASQ2 (calsequestrin 2; minus strand). Cytogenetic location: 1p13.1.
Variant type: single nucleotide variant.
Coding change: c.361C>T on transcript NM_001232.4 (MANE Select); coding-DNA position 361, C replaced by T.
Protein change: p.Arg121Cys; replaces arginine 121 with cysteine.
Molecular consequence: missense variant.
Genome position (GRCh38, 1-based): chr1:115,740,787, G>A on the plus strand (C>T on the coding strand, the complement: CASQ2 is on the minus strand). VCF-style: chr1-115740787-G-A. GRCh37 (hg19) VCF-style: chr1-116283408-G-A.
Other names: short protein forms R121C.
Identifiers: ClinVar variation 238670 (VCV000238670.11), dbSNP rs570840019, ClinGen allele CA1023934.

ClinVar aggregate classification (germline): Uncertain significance. Review status: criteria provided, multiple submitters, no conflicts (2 of 4 stars). 3 submissions from 3 submitters: Uncertain significance (3). Last evaluated 2023-04-11.

Conditions:
Cardiovascular phenotype. Identifiers: MedGen CN230736.
Catecholaminergic polymorphic ventricular tachycardia 2. Also called: CASQ2-Related Catecholaminergic Polymorphic Ventricular Tachycardia; VENTRICULAR TACHYCARDIA, STRESS-INDUCED POLYMORPHIC 2. Identifiers: Orphanet 3286, MedGen C2677794, MONDO:0012762, OMIM 611938.
Catecholaminergic polymorphic ventricular tachycardia 1. Also called: VENTRICULAR TACHYCARDIA, CATECHOLAMINERGIC POLYMORPHIC, 1, WITH OR WITHOUT ATRIAL DYSFUNCTION AND/OR DILATED CARDIOMYOPATHY; RYR2-Related Catecholaminergic Polymorphic Ventricular Tachycardia; VENTRICULAR TACHYCARDIA, STRESS-INDUCED POLYMORPHIC 1. Identifiers: Orphanet 3286, MedGen C1631597, MONDO:0011484, OMIM 604772.

Allele frequency attached by ClinVar (database versions not stated): gnomAD 0.00001 and 0.00002; gnomAD exomes 0.00001; ExAC 0.00002; 1000 Genomes Project 30x 0.00031; 1000 Genomes Project 0.00040.
gnomAD v4.1: 15 of 1,613,516 alleles (0.00093%); highest among the groups gnomAD compares: African/African-American, 0.0027%; no homozygotes.

Submissions (3):

Genome-Nilou Lab
Classification: Uncertain significance for Catecholaminergic polymorphic ventricular tachycardia 2. Last evaluated: 2023-04-11. Review status: criteria provided, single submitter. Criteria: ACMG Guidelines, 2015. Collection method: clinical testing. Allele origin: germline. Affected: no.

Ambry Genetics
Classification: Uncertain significance for Cardiovascular phenotype. Last evaluated: 2023-03-13. Review status: criteria provided, single submitter. Criteria: Ambry Variant Classification Scheme 2023. Collection method: clinical testing. Allele origin: germline.
Comment: The p.R121C variant (also known as c.361C>T), located in coding exon 3 of the CASQ2 gene, results from a C to T substitution at nucleotide position 361. The arginine at codon 121 is replaced by cysteine, an amino acid with highly dissimilar properties. This amino acid position is highly conserved in available vertebrate species. In addition, the in silico prediction for this alteration is inconclusive. Since supporting evidence is limited at this time, the clinical significance of this alteration remains unclear.

Labcorp Genetics (formerly Invitae), Labcorp
Classification: Uncertain significance for Catecholaminergic polymorphic ventricular tachycardia 1. Last evaluated: 2021-09-01. Review status: criteria provided, single submitter. Criteria: Invitae Variant Classification Sherloc (09022015). Collection method: clinical testing. Allele origin: germline.
Comment: This sequence change replaces arginine with cysteine at codon 121 of the CASQ2 protein (p.Arg121Cys). The arginine residue is moderately conserved and there is a large physicochemical difference between arginine and cysteine. This variant is present in population databases (rs570840019, ExAC 0.01%). This variant has not been reported in the literature in individuals affected with CASQ2-related conditions. ClinVar contains an entry for this variant (Variation ID: 238670). Algorithms developed to predict the effect of missense changes on protein structure and function are either unavailable or do not agree on the potential impact of this missense change (SIFT: "Deleterious"; PolyPhen-2: "Probably Damaging"; Align-GVGD: "Class C0"). In summary, the available evidence is currently insufficient to determine the role of this variant in disease. Therefore, it has been classified as a Variant of Uncertain Significance.